The following is an entry in ClinVar:

NM_001127255.2(NLRP7):c.1911del (p.Glu637fs)

Gene: NLRP7 (NLR family pyrin domain containing 7; minus strand). Cytogenetic location: 19q13.42.
Variant type: Deletion.
Coding change: c.1911del on transcript NM_001127255.2 (MANE Select); coding-DNA position 1911, one base deleted (A; older notation c.1911delA).
Protein change: p.Glu637fs; shifts the reading frame from glutamic acid 637.
Molecular consequence: frameshift variant.
Genome position (GRCh38, 1-based): chr19:54,938,908, T deleted on the plus strand (A on the coding strand, the reverse complement: NLRP7 is on the minus strand); the first of 2 consecutive T bases (chr19:54,938,908-54,938,909); deleting either gives the same sequence. VCF-style (leftmost placement, unchanged base first): chr19-54938907-GT-G. GRCh37 (hg19) VCF-style: chr19-55450275-GT-G.
Other names: c.1911del, p.Glu637fs (NM_001405531.1, NM_139176.4, NM_206828.4); short protein forms E637fs.
Identifiers: ClinVar variation 4984539 (VCV004984539.1).
Genomic context (GRCh38, chr19:54,938,907, plus strand): 5'-CCTCTTCCTAGTGGAGCGTGGGATGGGAAAACAGTTCTTACCTTTCAAATTCAATGTCCA[GT>G]TCAAAATCCATGTAATTCTCCAGGAACACCCCCTTTGCTACCTGCAGTGAGAGTTTCTGC-3'

ClinVar aggregate classification (germline): Likely pathogenic (1 of 4 stars; one submission).

Conditions:
NLRP7-related disorder. Also called: NLRP7-related condition.

Submission:

PreventionGenetics, part of Exact Sciences
Classification: Likely pathogenic for NLRP7-related condition. Last evaluated: 2025-06-18. Review status: criteria provided, single submitter. Criteria: ACMG Guidelines, 2015. Collection method: clinical testing. Allele origin: germline.
Comment: The NLRP7 c.1911delA variant is predicted to result in a frameshift and premature protein termination (p.Glu637Aspfs*12). To our knowledge, this variant has not been reported in the literature or in a large population database (gnomAD), indicating this variant is rare. Frameshift variants in NLRP7 are expected to be pathogenic. This variant is interpreted as likely pathogenic.